The following is an entry in ClinVar:

ClinVar aggregate classification (germline): Uncertain significance (1 of 4 stars; one submission).

Submission:

GeneDx
Classification: Uncertain significance. Last evaluated: 2020-07-07. Review status: criteria provided, single submitter. Criteria: GeneDx Variant Classification Process June 2021. Collection method: clinical testing. Allele origin: germline. Affected: yes.
Comment: Not observed in large population cohorts (Lek et al., 2016); In silico analysis supports that this missense variant has a deleterious effect on protein structure/function; Has not been previously published as pathogenic or benign to our knowledge

NM_001042750.2(STAG2):c.2227T>A (p.Trp743Arg)

Gene: STAG2 (STAG2 cohesin complex component; plus strand). Cytogenetic location: Xq25.
Variant type: single nucleotide variant.
Coding change: c.2227T>A on transcript NM_001042750.2 (MANE Select); coding-DNA position 2227, T replaced by A.
Protein change: p.Trp743Arg; replaces tryptophan 743 with arginine.
Molecular consequence: missense variant.
Genome position (GRCh38, 1-based): chrX:124,066,398, T>A. VCF-style: chrX-124066398-T-A. GRCh37 (hg19) VCF-style: chrX-123200248-T-A.
Other names: c.2227T>A, p.Trp743Arg (NM_001042749.2, NM_001042751.2, NM_001282418.2 and 13 more transcripts); short protein forms W743R.
Identifiers: ClinVar variation 1318577 (VCV001318577.2), dbSNP rs2148344352, ClinGen allele CA414274728.